The following is an entry in ClinVar:

NM_000238.4(KCNH2):c.140G>T (p.Gly47Val)

Gene: KCNH2 (potassium voltage-gated channel subfamily H member 2; minus strand). Cytogenetic location: 7q36.1.
Variant type: single nucleotide variant.
Coding change: c.140G>T on transcript NM_000238.4 (MANE Select); coding-DNA position 140, G replaced by T.
Protein change: p.Gly47Val; replaces glycine 47 with valine.
Molecular consequence: missense variant.
Genome position (GRCh38, 1-based): chr7:150,974,878, C>A on the plus strand (G>T on the coding strand, the complement: KCNH2 is on the minus strand). VCF-style: chr7-150974878-C-A. GRCh37 (hg19) VCF-style: chr7-150671966-C-A.
Other names: c.140G>T (LRG_288t1); c.-38G>T (NM_001406755.1); c.140G>T, p.Gly47Val (NM_172056.3); short protein forms G47V.
Identifiers: ClinVar variation 67195 (VCV000067195.4), dbSNP rs199473490, ClinGen allele CA004581.

ClinVar aggregate classification (germline): Pathogenic. Review status: criteria provided, single submitter (1 of 4 stars). 2 submissions from 2 submitters: Pathogenic (1). 1 of the submissions does not count toward it. Last evaluated 2022-05-04.

Conditions:
Familial long QT syndrome (RWS). Also called: Congenital long QT syndrome; Romano-Ward syndrome; VENTRICULAR FIBRILLATION WITH PROLONGED QT INTERVAL. Identifiers: Orphanet 768, MedGen C1141890, MONDO:0019171.
Short QT syndrome type 1. Identifiers: Orphanet 51083, MedGen C1865020, MONDO:0012312, OMIM 609620.

Submissions (2):

Mendelics
Classification: Pathogenic for Short QT syndrome type 1. Last evaluated: 2022-05-04. Review status: criteria provided, single submitter. Criteria: Mendelics Assertion Criteria 2019. Collection method: clinical testing. Allele origin: germline.

Cardiovascular Biomedical Research Unit, Royal Brompton & Harefield NHS Foundation Trust
No classification provided. Condition: Familial long QT syndrome. Review status: no classification provided. Collection method: literature only. Allele origin: germline. Not counted in ClinVar's aggregate classification.
Comment: This variant has been reported as associated with Long QT syndrome in the following publications (PMID:10973849;PMID:11854117). This is a literature report, and does not necessarily reflect the clinical interpretation of the Imperial College / Royal Brompton Cardiovascular Genetics laboratory.

Literature cited by the submitters: PubMed 10973849 (cited by Cardiovascular Biomedical Research Unit, Royal Brompton & Harefield NHS Foundation Trust); PubMed 11854117 (cited by Cardiovascular Biomedical Research Unit, Royal Brompton & Harefield NHS Foundation Trust); PubMed 22581653 (cited by Cardiovascular Biomedical Research Unit, Royal Brompton & Harefield NHS Foundation Trust).